The following is an entry in ClinVar:

ClinVar aggregate classification (germline): Pathogenic (1 of 4 stars; one submission).

Submission:

Quest Diagnostics Nichols Institute San Juan Capistrano
Classification: Pathogenic. Last evaluated: 2022-08-25. Review status: criteria provided, single submitter. Criteria: ACMG/ClinGen CNV Guidelines, 2019. Collection method: clinical testing. Allele origin: unknown.
Comment: This genomic alteration involves multiple genes, including YWHAE (OMIM 605066), and is associated with 17p13.3 duplication syndrome (OMIM 613215). Duplications of YWHAE and flanking genes such as CRK are most commonly associated with autism spectrum disorders. Therefore, this copy number variant is classified as pathogenic. _x000D__x000D_ References: Curry, et al., Am J Med Genet A. 2013 Aug; 161A (8):1833-52.PMID: 23813913; Henry et al. Eur J Med Genet. 2016 Oct;59(10):512-6; PMID: 27633569

GRCh37/hg19 17p13.3(chr17:1203617-1429687)x3

Genes: CRK (CRK proto-oncogene, adaptor protein; minus strand), INPP5K (inositol polyphosphate-5-phosphatase K; minus strand), MYO1C (myosin IC; minus strand), PITPNA (phosphatidylinositol transfer protein alpha; minus strand), TRARG1 (trafficking regulator of GLUT4 (SLC2A4) 1; plus strand) and 1 more. Cytogenetic location: 17p13.3.
Variant type: copy number gain.
Change: copy number 3 (three copies instead of two) of chr17:1,203,617-1,429,687 (226.1 kb, GRCh37 coordinates, 1-based), cytogenetic band 17p13.3.
Identifiers: ClinVar variation 2684828 (VCV002684828.1).